The following is an entry in ClinVar:

NM_002439.5(MSH3):c.565C>T (p.Gln189Ter)

Gene: MSH3 (mutS homolog 3; plus strand). Cytogenetic location: 5q14.1.
Variant type: single nucleotide variant.
Coding change: c.565C>T on transcript NM_002439.5 (MANE Select); coding-DNA position 565, C replaced by T.
Protein change: p.Gln189Ter; replaces glutamine 189 with a stop codon.
Molecular consequence: nonsense.
Genome position (GRCh38, 1-based): chr5:80,665,349, C>T. VCF-style: chr5-80665349-C-T. GRCh37 (hg19) VCF-style: chr5-79961168-C-T.
Other names: short protein forms Q189*.
Identifiers: ClinVar variation 825881 (VCV000825881.15), dbSNP rs1580546793, ClinGen allele CA360264570.
Genomic context (GRCh38, chr5:80,665,349, plus strand): 5'-TTTGATGATATCAGTCTTCTACACGCAAAGAATGCAGTTTCTTCTGAAGATTCGAAACGT[C>T]AAATTAATCAAAAGGTATGTAACTGCTATAGATGAGTATCCAGTTACCTAGAATAGTGGG-3'

ClinVar aggregate classification (germline): Pathogenic/Likely pathogenic. Review status: criteria provided, multiple submitters, no conflicts (2 of 4 stars). 4 submissions from 4 submitters: Pathogenic (3); Likely pathogenic (1). Last evaluated 2025-09-22.

Conditions:
Hereditary cancer-predisposing syndrome. Also called: Neoplastic Syndromes, Hereditary; Tumor predisposition; Hereditary neoplastic syndrome; Hereditary Cancer Syndrome. Identifiers: Orphanet 140162, MedGen C0027672, MeSH D009386, MONDO:0015356.
Familial adenomatous polyposis 4 (FAP4). Also called: MSH3-related attenuated familial adenomatous polyposis. Identifiers: Orphanet 480536, MedGen C4310719, MONDO:0044300, OMIM 617100.
Endometrial carcinoma. Also called: Endometrial carcinoma, somatic. Identifiers: MedGen C0476089, MONDO:0002447, OMIM 608089, HP:0012114.

gnomAD v4.1: 3 of 1,611,350 alleles (0.00019%); highest among the groups gnomAD compares: Non-Finnish European, 0.00025%; no homozygotes.

Submissions (4):

Ambry Genetics
Classification: Pathogenic for Hereditary cancer-predisposing syndrome. Last evaluated: 2025-09-22. Review status: criteria provided, single submitter. Criteria: Ambry Variant Classification Scheme 2023. Collection method: clinical testing. Allele origin: germline.
Comment: The p.Q189* pathogenic mutation (also known as c.565C>T), located in coding exon 3 of the MSH3 gene, results from a C to T substitution at nucleotide position 565. This changes the amino acid from a glutamine to a stop codon within coding exon 3. This variant is considered to be rare based on population cohorts in the Genome Aggregation Database (gnomAD). This alteration is expected to result in loss of function by premature protein truncation or nonsense-mediated mRNA decay. As such, this alteration is interpreted as a disease-causing mutation.

Labcorp Genetics (formerly Invitae), Labcorp
Classification: Pathogenic. Last evaluated: 2025-07-24. Review status: criteria provided, single submitter. Criteria: Invitae Variant Classification Sherloc (09022015). Collection method: clinical testing. Allele origin: germline.
Comment: This sequence change creates a premature translational stop signal (p.Gln189*) in the MSH3 gene. It is expected to result in an absent or disrupted protein product. Loss-of-function variants in MSH3 are known to be pathogenic (PMID: 27476653, 37402566). This variant is not present in population databases (gnomAD no frequency). This variant has not been reported in the literature in individuals affected with MSH3-related conditions. ClinVar contains an entry for this variant (Variation ID: 825881). For these reasons, this variant has been classified as Pathogenic.

Myriad Genetics, Inc.
Classification: Pathogenic for Familial adenomatous polyposis 4. Last evaluated: 2023-08-29. Review status: criteria provided, single submitter. Criteria: Myriad Autosomal Dominant, Autosomal Recessive and X-Linked Classification Criteria (2023). Collection method: clinical testing. Allele origin: unknown.
Comment: This variant is considered pathogenic. This variant creates a termination codon and is predicted to result in premature protein truncation.

Baylor Genetics
Classification: Likely pathogenic for Endometrial carcinoma. Last evaluated: 2022-01-23. Review status: criteria provided, single submitter. Criteria: ACMG Guidelines, 2015. Collection method: clinical testing. Allele origin: unknown.

Literature cited by the submitters: PubMed 27476653 (cited by Labcorp Genetics (formerly Invitae), Labcorp); PubMed 37402566 (cited by Labcorp Genetics (formerly Invitae), Labcorp).